The following is an entry in ClinVar:

NM_000492.4(CFTR):c.3469-1304C>G

Genes: CFTR (CF transmembrane conductance regulator; plus strand), CFTR-AS2 (CFTR antisense RNA 2; minus strand). Cytogenetic location: 7q31.2.
Variant type: single nucleotide variant.
Coding change: c.3469-1304C>G on transcript NM_000492.4 (MANE Select); 1304 bases into the intron before coding-DNA position 3469, C replaced by G.
Molecular consequence: intron variant.
Genome position (GRCh38, 1-based): chr7:117,626,218, C>G. VCF-style: chr7-117626218-C-G. GRCh37 (hg19) VCF-style: chr7-117266272-C-G.
Other names: c.3469-1304C>G (NM_000492.3).
Identifiers: ClinVar variation 2680701 (VCV002680701.4), dbSNP rs1792647486, ClinGen allele CA1737398091.

ClinVar aggregate classification (germline): Pathogenic. Review status: criteria provided, multiple submitters, no conflicts (2 of 4 stars). 4 submissions from 4 submitters: Pathogenic (4). Last evaluated 2025-02-27.

Conditions:
Bronchiectasis with or without elevated sweat chloride 1 (BESC1). Also called: Cystic Fibrosis-Like Syndrome. Identifiers: Orphanet 60033, MedGen C2749757, MONDO:0008887, OMIM 211400.
CFTR-related disorder (CFTR-RD). Also called: CFTR-related condition; CFTR-related disorders. Identifiers: MedGen C5924204, MONDO:7770004.
Cystic fibrosis (CF). Also called: MUCOVISCIDOSIS. Identifiers: Orphanet 586, MedGen C0010674, MONDO:0009061, OMIM 219700. Disease mechanism: loss of function.

Allele frequency attached by ClinVar (database versions not stated): TOPMed 0.00001.

Submissions (4):

Ambry Genetics
Classification: Pathogenic for Cystic fibrosis. Last evaluated: 2025-02-27. Review status: criteria provided, single submitter. Criteria: Ambry Variant Classification Scheme 2023. Collection method: clinical testing. Allele origin: germline.
Comment: The c.3469-1304C>G intronic pathogenic mutation results from a C to G substitution 1304 nucleotides upstream from coding exon 22 in the CFTR gene. This variant has been identified in the homozygous state and/or in conjunction with other CFTR variants in individuals who met clinical criteria for cystic fibrosis or CFTR-related disorders; in at least four individuals, the variants were identified in trans (Monnier N et al. J. Med. Genet., 2001 Jan;38:E4; Bergougnoux A et al. J Cyst Fibros, 2019 Jul;18:468-475). In silico splice site analysis predicts that this alteration will result in the creation or strengthening of a novel splice donor site. Mini-gene and RT-PCR assays demonstrated the insertion of a 214 bp pseudo-exon, resulting in an out-of-frame transcript (Monnier N et al. J. Med. Genet., 2001 Jan;38:E4; Bergougnoux A et al. J Cyst Fibros, 2019 Jul;18:468-475). This nucleotide position is well conserved in available vertebrate species. This variant is considered to be rare based on population cohorts in the Genome Aggregation Database (gnomAD). Based on the supporting evidence, this variant is interpreted as a disease-causing mutation.

PreventionGenetics, part of Exact Sciences
Classification: Pathogenic for CFTR-related condition. Last evaluated: 2024-11-20. Review status: criteria provided, single submitter. Criteria: ACMG Guidelines, 2015. Collection method: clinical testing. Allele origin: germline.
Comment: The CFTR c.3469-1304C>G variant is predicted to interfere with splicing. This variant has been reported in the homozygous or compound heterozygous state in multiple individuals with cystic fibrosis (reported as 3600+11.5kb C>G, Monnier et al. 2001. PubMed ID: 11134243; Bergougnoux et al. 2018. PubMed ID: 30389601). This variant has been demonstrated to promote the inclusion of a 214bp pseudo-exon and is expected to result in premature protein termination (Bergougnoux et al. 2018. PubMed ID: 30389601). This variant has not been reported in a large population database (gnomAD), indicating this variant is rare. This variant is interpreted as pathogenic.

Johns Hopkins Genomics, Johns Hopkins University
Classification: Pathogenic for Cystic fibrosis. Last evaluated: 2024-07-12. Review status: criteria provided, single submitter. Criteria: ACMG Guidelines, 2015. Collection method: clinical testing. Allele origin: germline.
Comment: CFTR c.3469-1304C>G has been identified in multiple individuals with features of cystic fibrosis including siblings who have a known CF-causing variant on the opposite chromosome. This CFTR variant has been reported in ClinVar (Variation ID: 2680701), but is absent from a large population dataset. Functional studies demonstrate that this deep intronic variant creates a cryptic splice donor site that leads to aberrant CFTR splicing. We consider CFTR c.3469-1304C>G to be pathogenic.

Baylor Genetics
Classification: Pathogenic for Bronchiectasis with or without elevated sweat chloride 1. Last evaluated: 2023-07-06. Review status: criteria provided, single submitter. Criteria: ACMG Guidelines, 2015. Collection method: clinical testing. Allele origin: unknown.

Literature cited by the submitters: PubMed 11134243 (cited by Ambry Genetics and Johns Hopkins Genomics, Johns Hopkins University); PubMed 30389601 (cited by Ambry Genetics and Johns Hopkins Genomics, Johns Hopkins University).